The following is an entry in ClinVar:

NM_005732.4(RAD50):c.1847A>C (p.Lys616Thr)

Gene: RAD50 (RAD50 double strand break repair protein; plus strand). Cytogenetic location: 5q31.1.
Variant type: single nucleotide variant.
Coding change: c.1847A>C on transcript NM_005732.4 (MANE Select); coding-DNA position 1847, A replaced by C.
Protein change: p.Lys616Thr; replaces lysine 616 with threonine.
Molecular consequence: missense variant.
Genome position (GRCh38, 1-based): chr5:132,594,922, A>C. VCF-style: chr5-132594922-A-C. GRCh37 (hg19) VCF-style: chr5-131930614-A-C.
Other names: short protein forms K616T.
Identifiers: ClinVar variation 1018951 (VCV001018951.9), dbSNP rs878854788, ClinGen allele CA360947696.
Genomic context (GRCh38, chr5:132,594,922, plus strand): 5'-ATTTTAGCAAGGAACTAGCTTCATCTGAGCAGAATAAAAATCATATAAATAATGAACTAA[A>C]AAGAAAGGAAGAGCAGTTGTCCAGTTACGAAGACAAGCTGTTTGATGTTTGTGGTAGCCA-3'
Protein context (NP_005723.2, residues 606-626): QNKNHINNEL[Lys616Thr]RKEEQLSSYE

ClinVar aggregate classification (germline): Uncertain significance (1 of 4 stars; one submission).

Conditions:
Hereditary cancer-predisposing syndrome. Also called: Tumor predisposition; Neoplastic Syndromes, Hereditary; Hereditary neoplastic syndrome; Hereditary Cancer Syndrome. Identifiers: Orphanet 140162, MedGen C0027672, MeSH D009386, MONDO:0015356.

Submission:

Labcorp Genetics (formerly Invitae), Labcorp
Classification: Uncertain significance for Hereditary cancer-predisposing syndrome. Last evaluated: 2022-07-06. Review status: criteria provided, single submitter. Criteria: Invitae Variant Classification Sherloc (09022015). Collection method: clinical testing. Allele origin: germline.
Comment: This sequence change replaces lysine, which is basic and polar, with threonine, which is neutral and polar, at codon 616 of the RAD50 protein (p.Lys616Thr). This variant is not present in population databases (gnomAD no frequency). This variant has not been reported in the literature in individuals affected with RAD50-related conditions. ClinVar contains an entry for this variant (Variation ID: 1018951). Algorithms developed to predict the effect of missense changes on protein structure and function (SIFT, PolyPhen-2, Align-GVGD) all suggest that this variant is likely to be tolerated. In summary, the available evidence is currently insufficient to determine the role of this variant in disease. Therefore, it has been classified as a Variant of Uncertain Significance.